The following is an entry in ClinVar:

ClinVar aggregate classification (germline): Uncertain significance (1 of 4 stars; one submission).

Submission:

Labcorp Genetics (formerly Invitae), Labcorp
Classification: Uncertain significance. Last evaluated: 2023-02-15. Review status: criteria provided, single submitter. Criteria: Invitae Variant Classification Sherloc (09022015). Collection method: clinical testing. Allele origin: unknown.
Comment: This variant is a gross deletion of the genomic region encompassing exon(s) 4 of the ROBO1 gene. This variant would be expected to be in-frame, preserving the integrity of the reading frame. This variant has not been reported in the literature in individuals affected with ROBO1-related conditions. Experimental studies and prediction algorithms are not available or were not evaluated, and the functional significance of this variant is currently unknown. In summary, the available evidence is currently insufficient to determine the role of this variant in disease. Therefore, it has been classified as a Variant of Uncertain Significance.

NC_000003.11:g.(?_78940440)_(78988097_?)del

Gene: ROBO1 (roundabout guidance receptor 1; minus strand). Cytogenetic location: 3p12.3.
Variant type: Deletion.
Identifiers: ClinVar variation 3246986 (VCV003246986.1).